The following is an entry in ClinVar:

ClinVar aggregate classification (germline): Uncertain significance (1 of 4 stars; one submission).

Conditions:
Intellectual developmental disorder, X-linked 99, syndromic, female-restricted. Also called: Intellectual disability, X-linked 99, syndromic, female-restricted. Identifiers: MedGen C4225416, MONDO:0010502, OMIM 300968.

gnomAD v4.1: 1 of 1,208,433 alleles (0.000083%); highest among the groups gnomAD compares: Non-Finnish European, 0.00011%; no homozygotes.

Submission:

Victorian Clinical Genetics Services, Murdoch Childrens Research Institute
Classification: Uncertain significance for Intellectual developmental disorder, X-linked 99, syndromic, female-restricted. Last evaluated: 2023-07-16. Review status: criteria provided, single submitter. Criteria: ACMG Guidelines, 2015. Collection method: clinical testing. Allele origin: germline. Inheritance: X-linked dominant inheritance. Affected: yes.
Comment: Based on the classification scheme VCGS_Germline_v1.3.4, this variant is classified as VUS-3A. Following criteria are met: 0102 - Loss of function is a known mechanism of disease in this gene and is associated with X-linked intellectual developmental disorder 99 (MIM#300919) and X-linked syndromic female-restricted intellectual developmental disorder 99 (MIM#300968). (I) 0108 - This gene is associated with both X-linked recessive and X-linked dominant disease. Partial loss of function missense variants result in X-linked recessive disease, predominantly affecting males. Variants resulting in a premature termination codon or a more complete loss of function are restricted to females in an X-linked dominant pattern of inheritance (PMIDs: 31443933, 26833328). (I) 0200 - Variant is predicted to result in a missense amino acid change from serine to glycine. (I) 0251 - This variant is heterozygous. (I) 0301 - Variant is absent from gnomAD (both v2 and v3). (SP) 0502 - Missense variant with conflicting in silico predictions and uninformative conservation. (I) 0603 - Missense variant in a region that is highly intolerant to missense variation (high constraint region in DECIPHER). (SP) 0705 - No comparable missense variants have previous evidence for pathogenicity. (I) 0807 - This variant has no previous evidence of pathogenicity. (I) 0905 - No published segregation evidence has been identified for this variant. (I) 1007 - No published functional evidence has been identified for this variant. (I) 1208 - Inheritance information for this variant is not currently available in this individual. (I) Legend: (SP) - Supporting pathogenic, (I) - Information, (SB) - Supporting benign

Literature cited by the submitters: PubMed 26833328; PubMed 31443933.

NM_001039591.3(USP9X):c.1090A>G (p.Ser364Gly)

Gene: USP9X (ubiquitin specific peptidase 9 X-linked; plus strand). Cytogenetic location: Xp11.4.
Variant type: single nucleotide variant.
Coding change: c.1090A>G on transcript NM_001039591.3 (MANE Select); coding-DNA position 1090, A replaced by G.
Protein change: p.Ser364Gly; replaces serine 364 with glycine.
Molecular consequence: missense variant.
Genome position (GRCh38, 1-based): chrX:41,141,360, A>G. VCF-style: chrX-41141360-A-G. GRCh37 (hg19) VCF-style: chrX-41000613-A-G.
Other names: c.1090A>G, p.Ser364Gly (NM_001039590.3, NM_001410748.1, NM_001410749.1); short protein forms S364G.
Identifiers: ClinVar variation 3376621 (VCV003376621.1).